The following is an entry in ClinVar:

ClinVar aggregate classification (germline): Uncertain significance (1 of 4 stars; one submission).

Submission:

Women's Health and Genetics/Laboratory Corporation of America, LabCorp
Classification: Uncertain significance. Last evaluated: 2026-05-21. Review status: criteria provided, single submitter. Criteria: LabCorp Variant Classification Summary - May 2015. Collection method: clinical testing. Allele origin: germline.
Comment: Variant summary: The variant involves the duplication of exons 1-3 in the NPRL3 gene. A presumed nomenclature of c.(?_-100)_(188+1_189-1)dup has been designated for the purposes of this classification. The exact breakpoint at the 5' end of this variant is unknown, therefore this duplication may extend upstream of the annotated region of this gene. It is predicted to duplicate a segment including the initiation codon, therefore its impact on the encoded protein is unknown. The available data on variant occurrences in the general population are insufficient to allow any conclusion about variant significance. To our knowledge, no occurrence of c.(?_-100)_(188+1_189-1)dup in individuals affected with NPRL3-related conditions and no experimental evidence demonstrating its impact on protein function have been reported. ClinVar contains an entry for this variant (Variation ID: 1466072, 641549). Based on the evidence outlined above, the variant was classified as uncertain significance.

NC_000016.9:g.(169255_180520)_(188673_?)dup

Gene: NPRL3 (NPR3 like, GATOR1 complex subunit; minus strand). Cytogenetic location: 16p13.3.
Variant type: Duplication.
Identifiers: ClinVar variation 4853740 (VCV004853740.1).